The following is an entry in ClinVar:

ClinVar aggregate classification (germline): Uncertain significance. Review status: criteria provided, single submitter (1 of 4 stars). 2 submissions from 1 submitter: Uncertain significance (1). 1 of the submissions does not count toward it. Last evaluated 2022-08-27.

Conditions:
Neuronal ceroid lipofuscinosis. Also called: Neuronal Ceroid Lipofuscinoses. Identifiers: Orphanet 216, Orphanet 79263, MedGen C0027877, MONDO:0016295. Disease mechanism: loss of function.

Submissions (2):

Labcorp Genetics (formerly Invitae), Labcorp
Classification: Uncertain significance. Last evaluated: 2022-08-27. Review status: criteria provided, single submitter. Criteria: Invitae Variant Classification Sherloc (09022015). Collection method: clinical testing. Allele origin: germline.
Comment: A gross deletion of the genomic region encompassing the full coding sequence of the ARHGEF10 gene has been identified. The current clinical and genetic evidence is not sufficient to establish whether loss-of-function variants in ARHGEF10 cause disease. The boundaries of this event are unknown as they extend beyond the assayed region for this gene and therefore may encompass additional genes. This variant has not been reported in the literature in individuals affected with ARHGEF10-related conditions. In summary, the available evidence is currently insufficient to determine the role of this variant in disease. Therefore, it has been classified as a Variant of Uncertain Significance.

Labcorp Genetics (formerly Invitae), Labcorp
Classification: Pathogenic for Neuronal ceroid lipofuscinosis. Last evaluated: 2022-10-26. Review status: flagged submission. Criteria: Invitae Variant Classification Sherloc (09022015). Collection method: clinical testing. Allele origin: germline. Not counted in ClinVar's aggregate classification.
Comment: A gross deletion of the genomic region encompassing the full coding sequence of the CLN8 gene has been identified. Loss-of-function variants in CLN8 are known to be pathogenic (PMID: 15024724). The boundaries of this event are unknown as they extend beyond the assayed region for this gene and therefore may encompass additional genes. A similar copy number variant has been observed in individual(s) with neuronal ceroid lipofuscinoses (PMID: 28116333). For these reasons, this variant has been classified as Pathogenic.
ClinVar note: Reason: This record appears to be redundant with a more recent record from the same submitter.
ClinVar note: Notes: SCV002241072 appears to be redundant with SCV003792963.

Literature cited by the submitters: PubMed 15024724; PubMed 28116333.

NC_000008.10:g.(?_1719221)_(1905429_?)del

Genes: ARHGEF10 (Rho guanine nucleotide exchange factor 10; plus strand), CLN8 (CLN8 transmembrane ER and ERGIC protein; plus strand). Cytogenetic location: 8p23.3.
Variant type: Deletion.
Identifiers: ClinVar variation 1459121 (VCV001459121.5).